The following is an entry in ClinVar:

ClinVar aggregate classification (germline): Pathogenic (1 of 4 stars; one submission).

Submission:

ISCA Site 6
Classification: Pathogenic. Last evaluated: 2011-08-12. Review status: criteria provided, single submitter. Criteria: Kaminsky et al. (Genet Med. 2011). Collection method: clinical testing. Allele origin: paternal. Affected: yes. Observed: 1 variant allele.
Comment: Copy number variation identified through the course of routine clinical cytogenomic testing in postnatal populations. Clinical assertions have been curated as described in Kaminsky et al. 2011.

GRCh38/hg38 22q11.21(chr22:18339130-21207225)x3

Genes: AIFM3 (AIF family member 3; plus strand), ARVCF (ARVCF delta catenin family member; minus strand), C22orf39 (chromosome 22 open reading frame 39; minus strand), CCDC188 (coiled-coil domain containing 188; minus strand), CDC45 (cell division cycle 45; plus strand) and 189 more. Cytogenetic location: 22q11.21.
Variant type: copy number gain.
Change: copy number 3 (three copies instead of two) of chr22:18,339,130-21,207,225 (2.87 Mb, GRCh38 coordinates, 1-based), cytogenetic band 22q11.21.
Identifiers: ClinVar variation 58191 (VCV000058191.2).